The following is an entry in ClinVar:

ClinVar aggregate classification (germline): Uncertain significance. Review status: criteria provided, single submitter (1 of 4 stars). 2 submissions from 2 submitters: Uncertain significance (1). 1 of the submissions does not count toward it. Last evaluated 2025-09-10.

Conditions:
Nephrotic syndrome, type 9 (NPHS9). Identifiers: Orphanet 656, MedGen C3809965, MONDO:0014257, OMIM 615573.
COQ8B-related disorder. Also called: COQ8B-related condition.

Allele frequency attached by ClinVar (database versions not stated): gnomAD 0.00003; TOPMed 0.00003; gnomAD exomes 0.00003; ExAC 0.00003.
gnomAD v4.1: 44 of 1,598,474 alleles (0.0028%); highest among the groups gnomAD compares: Middle Eastern, 0.12%; no homozygotes.

Submissions (3):

Genomic Medicine Center of Excellence, King Faisal Specialist Hospital and Research Centre
Classification: Uncertain significance for Nephrotic syndrome, type 9. Last evaluated: 2025-09-10. Review status: criteria provided, single submitter. Criteria: ACMG Guidelines, 2015. Collection method: clinical testing. Allele origin: germline.

PreventionGenetics, part of Exact Sciences
Classification: Uncertain significance for COQ8B-related condition. Last evaluated: 2024-02-08. Review status: no assertion criteria provided. Collection method: clinical testing. Allele origin: germline. Not counted in ClinVar's aggregate classification.
Comment: The COQ8B c.797C>T variant is predicted to result in the amino acid substitution p.Ala266Val. To our knowledge, this variant has not been reported in the literature. This variant is reported in 0.0059% of alleles in individuals of Latino descent in gnomAD. At this time, the clinical significance of this variant is uncertain due to the absence of conclusive functional and genetic evidence.

Dr. Peter K. Rogan Lab, Western University
No classification provided (evidence only). Condition: Squamous cell carcinoma of the head and neck. Review status: no classification provided. Collection method: in vitro. Allele origin: not applicable. Functional consequence: retained intron. Not counted in ClinVar's aggregate classification.

NM_024876.4(COQ8B):c.797C>T (p.Ala266Val)

Gene: COQ8B (coenzyme Q8B; minus strand). Cytogenetic location: 19q13.2.
Variant type: single nucleotide variant.
Coding change: c.797C>T on transcript NM_024876.4 (MANE Select); coding-DNA position 797, C replaced by T.
Protein change: p.Ala266Val; replaces alanine 266 with valine.
Molecular consequence: missense variant.
Genome position (GRCh38, 1-based): chr19:40,703,543, G>A on the plus strand (C>T on the coding strand, the complement: COQ8B is on the minus strand). VCF-style: chr19-40703543-G-A. GRCh37 (hg19) VCF-style: chr19-41209448-G-A.
Other names: NC_000019.9:g.41209448G>A; c.674C>T, p.Ala225Val (NM_001142555.3); short protein forms A225V, A266V.
Identifiers: ClinVar variation 3047311 (VCV003047311.4), dbSNP rs766618659, ClinGen allele CA9450279.